The following is an entry in ClinVar:

ClinVar aggregate classification (germline): Uncertain significance (1 of 4 stars; one submission).

Conditions:
Porokeratosis 3, disseminated superficial actinic type (POROK3). Also called: POROKERATOSIS 3, MULTIPLE TYPES; POROKERATOSIS 3, MIBELLI TYPE; POROKERATOSIS, DISSEMINATED SUPERFICIAL ACTINIC, 1. Identifiers: MedGen C1867981, MONDO:0008293, OMIM 175900.
Mevalonic aciduria (MEVA). Identifiers: Orphanet 29, MedGen C1959626, MONDO:0012481, OMIM 610377.
Hyperimmunoglobulin D with periodic fever (HIDS). Also called: Hyperimmunoglobulinemia D with periodic fever; Hyperimmunoglobulinemia D; HYPERIMMUNOGLOBULINEMIA D AND PERIODIC FEVER SYNDROME. Identifiers: Orphanet 343, MedGen C0398691, MONDO:0009849, OMIM 260920.

Submission:

Labcorp Genetics (formerly Invitae), Labcorp
Classification: Uncertain significance for Mevalonic aciduria; Hyperimmunoglobulin D with periodic fever; Porokeratosis 3, disseminated superficial actinic type. Last evaluated: 2022-04-10. Review status: criteria provided, single submitter. Criteria: Invitae Variant Classification Sherloc (09022015). Collection method: clinical testing. Allele origin: germline.
Comment: A copy number gain of the genomic region encompassing the full coding sequence of the MVK gene has been identified. The boundaries of this event are unknown as they extend beyond the assayed region for this gene and therefore may encompass additional genes. As the precise location of this event is unknown, it may be in tandem or it may be located elsewhere in the genome. This variant has not been reported in the literature in individuals affected with MVK-related conditions. In summary, the available evidence is currently insufficient to determine the role of this variant in disease. Therefore, it has been classified as a Variant of Uncertain Significance.

NC_000012.11:g.(?_109921357)_(110034382_?)dup

Genes: MMAB (metabolism of cobalamin associated B; minus strand), MVK (mevalonate kinase; plus strand), UBE3B (ubiquitin protein ligase E3B; plus strand). Cytogenetic location: 12q24.11.
Variant type: Duplication.
Identifiers: ClinVar variation 2423079 (VCV002423079.2).